The following is an entry in ClinVar:

ClinVar aggregate classification (germline): Conflicting classifications of pathogenicity. Review status: criteria provided, conflicting classifications (1 of 4 stars). 3 submissions from 3 submitters: Pathogenic (1); Likely pathogenic (1); Uncertain significance (1). Last evaluated 2026-07-01.

Conditions:
Ehlers-Danlos syndrome due to tenascin-X deficiency (EDSCLL1). Also called: EHLERS-DANLOS SYNDROME, CLASSIC-LIKE; Ehlers-Danlos syndrome, classic-like, 1; TNX DEFICIENCY; EDS DUE TO TNX DEFICIENCY; TNXB-Related Classical-Like Ehlers-Danlos Syndrome. Identifiers: Orphanet 230839, MedGen C1848029, MONDO:0011670, OMIM 606408.
Dyspnea. Also called: dyspnoea. Identifiers: MedGen C0013404, HP:0002094.
Breathing dysregulation. Also called: breathing difficulty. Identifiers: MedGen C3808046, HP:0005957.
Hypotonia. Also called: Muscular hypotonia; poor muscle tone. Identifiers: MedGen C0026827, HP:0001252.
Neonatal breathing dysregulation. Identifiers: MedGen C3806216, HP:0002790.
Abnormal pattern of respiration. Identifiers: MedGen C1837388, HP:0002793.
Myoclonus. Also called: Involuntary jerking movements; Myoclonic jerks. Identifiers: MedGen C0027066, HP:0001336.
Cyanosis. Identifiers: MedGen C0010520, HP:0000961.

Submissions (3):

CeGaT Center for Human Genetics Tuebingen
Classification: Pathogenic. Last evaluated: 2026-07-01. Review status: criteria provided, single submitter. Criteria: CeGaT Center For Human Genetics Tuebingen Variant Classification Criteria Version 2. Collection method: clinical testing. Allele origin: germline. Affected: yes. Observed: 1 variant allele.
Comment: TNXB: PVS1, PM2

Institute of Human Genetics, Cologne University
Classification: Likely pathogenic for Ehlers-Danlos syndrome due to tenascin-X deficiency. Last evaluated: 2025-01-29. Review status: criteria provided, single submitter. Criteria: ACMG Guidelines, 2015. Collection method: clinical testing. Allele origin: germline.

Centre for Mendelian Genomics, University Medical Centre Ljubljana
Classification: Uncertain significance for Abnormal pattern of respiration; Breathing dysregulation; Cyanosis; Dyspnea; Hypotonia; Myoclonus; Neonatal breathing dysregulation. Last evaluated: 2017-01-01. Review status: criteria provided, single submitter. Criteria: ACMG Guidelines, 2015. Collection method: clinical testing. Allele origin: unknown. Affected: yes.

NM_001365276.2(TNXB):c.6349_6352del (p.Val2117fs)

Gene: TNXB (tenascin XB; minus strand). Cytogenetic location: 6p21.33.
Variant type: Deletion.
Coding change: c.6349_6352del on transcript NM_001365276.2 (MANE Select); coding-DNA positions 6349 to 6352, 4 bases deleted (GTCC; older notation c.6349_6352delGTCC).
Protein change: p.Val2117fs; shifts the reading frame from valine 2117.
Molecular consequence: frameshift variant.
Genome position (GRCh38, 1-based): chr6:32,067,853-32,067,856, GGAC deleted on the plus strand (GTCC on the coding strand, the reverse complement: TNXB is on the minus strand); deleting any 4 consecutive bases within chr6:32,067,853-32,067,858 gives the same sequence; the c. name uses the placement nearest the transcript's 3' end. VCF-style (leftmost placement, unchanged base first): chr6-32067852-GGGAC-G. GRCh37 (hg19) VCF-style: chr6-32035629-GGGAC-G.
Other names: c.6349_6352del, p.Val2117fs (NM_019105.8); short protein forms V2117fs.
Identifiers: ClinVar variation 523526 (VCV000523526.4), dbSNP rs754439905, ClinGen allele CA3734458.